The following is an entry in ClinVar:

ClinVar aggregate classification (germline): Uncertain significance (1 of 4 stars; one submission).

Conditions:
Epidermolysis bullosa simplex with nail dystrophy (EBS5D). Identifiers: MedGen C4225309, MONDO:0014661, OMIM 616487.
Epidermolysis bullosa simplex, Ogna type (EBS5A). Also called: EPIDERMOLYSIS BULLOSA SIMPLEX 5A, OGNA TYPE; Pidermolysis bullosa simplex 5A, Ogna type. Identifiers: Orphanet 79401, MedGen C0432317, MONDO:0007555, OMIM 131950.
Autosomal recessive limb-girdle muscular dystrophy type 2Q (LGMDR17). Also called: MUSCULAR DYSTROPHY, LIMB-GIRDLE, AUTOSOMAL RECESSIVE 17. Identifiers: Orphanet 254361, MedGen C3150989, MONDO:0013390, OMIM 613723.
Epidermolysis bullosa simplex 5B, with muscular dystrophy (EBS5B). Also called: EPIDERMOLYSIS BULLOSA SIMPLEX AND LIMB-GIRDLE MUSCULAR DYSTROPHY; Epidermolysis bullosa simplex with muscular dystrophy. Identifiers: Orphanet 257, MedGen C2931072, MONDO:0009181, OMIM 226670.
Epidermolysis bullosa simplex 5C, with pyloric atresia (EBS5C). Also called: PLEC-Related Epidermolysis Bullosa with Pyloric Atresia; Epidermolysis bullosa simplex with pyloric atresia; PLEC1-Related Epidermolysis Bullosa with Pyloric Atresia. Identifiers: Orphanet 158684, MedGen C2677349, MONDO:0012807, OMIM 612138.

gnomAD v4.1: 1 of 1,611,980 alleles (0.000062%); highest among the groups gnomAD compares: Non-Finnish European, 0.000085%; no homozygotes.

Submission:

Labcorp Genetics (formerly Invitae), Labcorp
Classification: Uncertain significance for Autosomal recessive limb-girdle muscular dystrophy type 2Q; Epidermolysis bullosa simplex, Ogna type; Epidermolysis bullosa simplex with nail dystrophy; Epidermolysis bullosa simplex 5C, with pyloric atresia; Epidermolysis bullosa simplex 5B, with muscular dystrophy. Last evaluated: 2025-03-19. Review status: criteria provided, single submitter. Criteria: Invitae Variant Classification Sherloc (09022015). Collection method: clinical testing. Allele origin: germline.
Comment: This sequence change replaces lysine, which is basic and polar, with glutamic acid, which is acidic and polar, at codon 2943 of the PLEC protein (p.Lys2943Glu). This variant is not present in population databases (gnomAD no frequency). This variant has not been reported in the literature in individuals affected with PLEC-related conditions. An algorithm developed to predict the effect of missense changes on protein structure and function (PolyPhen-2) suggests that this variant is likely to be disruptive. In summary, the available evidence is currently insufficient to determine the role of this variant in disease. Therefore, it has been classified as a Variant of Uncertain Significance.

NM_201384.3(PLEC):c.8746A>G (p.Lys2916Glu)

Gene: PLEC (plectin; minus strand). Cytogenetic location: 8q24.3.
Variant type: single nucleotide variant.
Coding change: c.8746A>G on transcript NM_201384.3 (MANE Select); coding-DNA position 8746, A replaced by G.
Protein change: p.Lys2916Glu; replaces lysine 2916 with glutamic acid.
Molecular consequence: missense variant.
Genome position (GRCh38, 1-based): chr8:143,921,075, T>C on the plus strand (A>G on the coding strand, the complement: PLEC is on the minus strand). VCF-style: chr8-143921075-T-C. GRCh37 (hg19) VCF-style: chr8-144995243-T-C.
Other names: c.8827A>G, p.Lys2943Glu (NM_000445.5); c.5446A>G, p.Lys1816Glu (NM_001410941.1); c.8704A>G, p.Lys2902Glu (NM_201378.4); c.8680A>G, p.Lys2894Glu (NM_201379.3); c.9157A>G, p.Lys3053Glu (NM_201380.4); c.8650A>G, p.Lys2884Glu (NM_201381.3); c.8746A>G, p.Lys2916Glu (NM_201382.4); c.8758A>G, p.Lys2920Glu (NM_201383.3); short protein forms K1816E, K2894E, K2920E, K3053E, K2902E, K2916E, K2884E, K2943E.
Identifiers: ClinVar variation 4790844 (VCV004790844.1).